The following is an entry in ClinVar:

ClinVar aggregate classification (germline): Uncertain significance. Review status: criteria provided, multiple submitters, no conflicts (2 of 4 stars). 2 submissions from 2 submitters: Uncertain significance (2). Last evaluated 2025-09-25.

Allele frequency attached by ClinVar (database versions not stated): gnomAD exomes below 0.00001; ExAC 0.00001; gnomAD 0.00002; TOPMed 0.00003.
gnomAD v4.1: 11 of 1,614,088 alleles (0.00068%); highest among the groups gnomAD compares: Non-Finnish European, 0.00085%; no homozygotes.

Submissions (2):

Mayo Clinic Laboratories, Mayo Clinic
Classification: Uncertain significance. Last evaluated: 2025-09-25. Review status: criteria provided, single submitter. Criteria: ACMG Guidelines, 2015. Collection method: clinical testing. Allele origin: germline. Observed: 1 variant allele.
Comment: BP4_moderate

Labcorp Genetics (formerly Invitae), Labcorp
Classification: Uncertain significance. Last evaluated: 2021-12-19. Review status: criteria provided, single submitter. Criteria: Invitae Variant Classification Sherloc (09022015). Collection method: clinical testing. Allele origin: germline.
Comment: This sequence change replaces glutamine, which is neutral and polar, with arginine, which is basic and polar, at codon 430 of the EIF2B3 protein (p.Gln430Arg). This variant is present in population databases (rs765453086, gnomAD 0.003%). This variant has not been reported in the literature in individuals affected with EIF2B3-related conditions. Algorithms developed to predict the effect of missense changes on protein structure and function (SIFT, PolyPhen-2, Align-GVGD) all suggest that this variant is likely to be tolerated. In summary, the available evidence is currently insufficient to determine the role of this variant in disease. Therefore, it has been classified as a Variant of Uncertain Significance.

NM_020365.5(EIF2B3):c.1289A>G (p.Gln430Arg)

Gene: EIF2B3 (eukaryotic translation initiation factor 2B subunit gamma; minus strand). Cytogenetic location: 1p34.1.
Variant type: single nucleotide variant.
Coding change: c.1289A>G on transcript NM_020365.5 (MANE Select); coding-DNA position 1289, A replaced by G.
Protein change: p.Gln430Arg; replaces glutamine 430 with arginine.
Molecular consequence: missense variant. On other transcripts: intron variant (1).
Genome position (GRCh38, 1-based): chr1:44,857,721, T>C on the plus strand (A>G on the coding strand, the complement: EIF2B3 is on the minus strand). VCF-style: chr1-44857721-T-C. GRCh37 (hg19) VCF-style: chr1-45323393-T-C.
Other names: p.Gln430Arg; c.1203-6718A>G (NM_001261418.2); short protein forms Q430R.
Identifiers: ClinVar variation 2048362 (VCV002048362.2), dbSNP rs765453086, ClinGen allele CA823787.